The following is an entry in ClinVar:

ClinVar aggregate classification (germline): Uncertain significance. Review status: criteria provided, multiple submitters, no conflicts (2 of 4 stars). 2 submissions from 2 submitters: Uncertain significance (2). Last evaluated 2023-02-23.

Conditions:
Inborn genetic diseases. Identifiers: MedGen C0950123, MeSH D030342.
COG1 congenital disorder of glycosylation (CDG2G). Also called: CDG IIg; CDGII/COG1 CEREBROCOSTOMANDIBULAR-LIKE SYNDROME; CONGENITAL DISORDER OF GLYCOSYLATION, TYPE IIg. Identifiers: Orphanet 263508, MedGen C2931011, MONDO:0012637, OMIM 611209.

gnomAD v4.1: 145 of 1,614,048 alleles (0.009%); highest among the groups gnomAD compares: Non-Finnish European, 0.012%; no homozygotes.

Submissions (2):

Ambry Genetics
Classification: Uncertain significance for Inborn genetic diseases. Last evaluated: 2023-02-23. Review status: criteria provided, single submitter. Criteria: Ambry Variant Classification Scheme 2023. Collection method: clinical testing. Allele origin: germline.

Labcorp Genetics (formerly Invitae), Labcorp
Classification: Uncertain significance for COG1 congenital disorder of glycosylation. Last evaluated: 2022-01-01. Review status: criteria provided, single submitter. Criteria: Invitae Variant Classification Sherloc (09022015). Collection method: clinical testing. Allele origin: germline.
Comment: This sequence change replaces arginine, which is basic and polar, with glycine, which is neutral and non-polar, at codon 805 of the COG1 protein (p.Arg805Gly). This variant is present in population databases (rs148247619, gnomAD 0.007%). This variant has not been reported in the literature in individuals affected with COG1-related conditions. Algorithms developed to predict the effect of missense changes on protein structure and function are either unavailable or do not agree on the potential impact of this missense change (SIFT: "Tolerated"; PolyPhen-2: "Possibly Damaging"; Align-GVGD: "Class C0"). In summary, the available evidence is currently insufficient to determine the role of this variant in disease. Therefore, it has been classified as a Variant of Uncertain Significance.

NM_018714.3(COG1):c.2413C>G (p.Arg805Gly)

Gene: COG1 (component of oligomeric golgi complex 1; plus strand). Cytogenetic location: 17q25.1.
Variant type: single nucleotide variant.
Coding change: c.2413C>G on transcript NM_018714.3 (MANE Select); coding-DNA position 2413, C replaced by G.
Protein change: p.Arg805Gly; replaces arginine 805 with glycine.
Molecular consequence: missense variant.
Genome position (GRCh38, 1-based): chr17:73,205,583, C>G. VCF-style: chr17-73205583-C-G. GRCh37 (hg19) VCF-style: chr17-71201722-C-G.
Other names: c.2413C>G (NM_018714.2); short protein forms R805G.
Identifiers: ClinVar variation 2182393 (VCV002182393.3), dbSNP rs148247619, ClinGen allele CA8740468.